The following is an entry in ClinVar:

NM_138694.4(PKHD1):c.7138C>T (p.Gln2380Ter)

Gene: PKHD1 (PKHD1 ciliary IPT domain containing fibrocystin/polyductin; minus strand). Cytogenetic location: 6p12.2.
Variant type: single nucleotide variant.
Coding change: c.7138C>T on transcript NM_138694.4 (MANE Select); coding-DNA position 7138, C replaced by T.
Protein change: p.Gln2380Ter; replaces glutamine 2380 with a stop codon.
Molecular consequence: nonsense.
Genome position (GRCh38, 1-based): chr6:51,885,944, G>A on the plus strand (C>T on the coding strand, the complement: PKHD1 is on the minus strand). VCF-style: chr6-51885944-G-A. GRCh37 (hg19) VCF-style: chr6-51750742-G-A.
Other names: c.7138C>T, p.Gln2380Ter (NM_170724.3); short protein forms Q2380*.
Identifiers: ClinVar variation 2861524 (VCV002861524.4), dbSNP rs2536226951, ClinGen allele CA364423822.

ClinVar aggregate classification (germline): Pathogenic. Review status: criteria provided, multiple submitters, no conflicts (2 of 4 stars). 2 submissions from 2 submitters: Pathogenic (2). Last evaluated 2025-04-15.

Conditions:
Polycystic kidney disease 4 (PKD4). Also called: POLYCYSTIC KIDNEY AND HEPATIC DISEASE 1; POLYCYSTIC KIDNEY DISEASE, INFANTILE, TYPE I; PKD3; Autosomal Recessive Polycystic Kidney Disease – PKHD1; POLYCYSTIC KIDNEY DISEASE 4 WITH OR WITHOUT POLYCYSTIC LIVER DISEASE. Identifiers: MedGen C4540575, MONDO:0033004, OMIM 263200.
Autosomal recessive polycystic kidney disease (ARPKD). Also called: AR polycystic kidney disease. Identifiers: Orphanet 731, Orphanet 8378, MedGen C0085548, MeSH D017044, MONDO:0009889.

Submissions (2):

Myriad Genetics, Inc.
Classification: Pathogenic for Polycystic kidney disease 4. Last evaluated: 2025-04-15. Review status: criteria provided, single submitter. Criteria: Myriad Autosomal Dominant, Autosomal Recessive and X-Linked Classification Criteria (2023). Collection method: clinical testing. Allele origin: unknown.
Comment: NM_138694.3(PKHD1):c.7138C>T(Q2380*) is expected to be pathogenic in the context of autosomal recessive polycystic kidney disease, PKHD1-related. This variant is predicted to lead to an abnormal or absent protein product due to the creation of a premature termination codon in PKHD1, a gene where loss-of-function variants are known to be pathogenic. Please note: this variant was assessed in the context of healthy population screening.

Labcorp Genetics (formerly Invitae), Labcorp
Classification: Pathogenic for Autosomal recessive polycystic kidney disease. Last evaluated: 2023-05-02. Review status: criteria provided, single submitter. Criteria: Invitae Variant Classification Sherloc (09022015). Collection method: clinical testing. Allele origin: germline.
Comment: This sequence change creates a premature translational stop signal (p.Gln2380*) in the PKHD1 gene. It is expected to result in an absent or disrupted protein product. Loss-of-function variants in PKHD1 are known to be pathogenic (PMID: 19940839). This variant is not present in population databases (gnomAD no frequency). This variant has not been reported in the literature in individuals affected with PKHD1-related conditions. For these reasons, this variant has been classified as Pathogenic.

Literature cited by the submitters: PubMed 19940839 (cited by Labcorp Genetics (formerly Invitae), Labcorp).